The following is an entry in ClinVar:

NM_001844.5(COL2A1):c.2410-7C>T

Gene: COL2A1 (collagen type II alpha 1 chain; minus strand). Cytogenetic location: 12q13.11.
Variant type: single nucleotide variant.
Coding change: c.2410-7C>T on transcript NM_001844.5 (MANE Select); 7 bases into the intron before coding-DNA position 2410, C replaced by T.
Molecular consequence: intron variant.
Genome position (GRCh38, 1-based): chr12:47,981,403, G>A on the plus strand (C>T on the coding strand, the complement: COL2A1 is on the minus strand). VCF-style: chr12-47981403-G-A. GRCh37 (hg19) VCF-style: chr12-48375186-G-A.
Other names: c.2203-7C>T (NM_033150.3); c.2410-7C>T (NM_001844.4).
Identifiers: ClinVar variation 593100 (VCV000593100.26), dbSNP rs767041085, ClinGen allele CA6535101.
Genomic context (GRCh38, chr12:47,981,403, plus strand): 5'-CGGAGCGCCACGAGCACCAGCACTTCCTGCAGGACCAGGAGGTCCAACTTCTCCCTGAGG[G>A]TGGGGAAGGGAGGAAGAGCTGGGGTAAGAAGGTGGGGAGGCAGAGTGGGAGAGGGCAAAG-3'

ClinVar aggregate classification (germline): Conflicting classifications of pathogenicity. Review status: criteria provided, conflicting classifications (1 of 4 stars). 5 submissions from 5 submitters: Uncertain significance (1); Likely benign (4). Last evaluated 2026-09-14.

Conditions:
COL2A1-related disorder. Also called: COL2A1-related condition; COL2A1-related disorders.

Allele frequency attached by ClinVar (database versions not stated): gnomAD exomes 0.00001 and 0.00002; ExAC 0.00002; gnomAD 0.00003; TOPMed 0.00003.
gnomAD v4.1: 20 of 1,609,626 alleles (0.0012%); highest among the groups gnomAD compares: Middle Eastern, 0.1%; no homozygotes.

Submissions (5):

PreventionGenetics, part of Exact Sciences
Classification: Likely benign for COL2A1-related condition. Last evaluated: 2026-09-14. Review status: criteria provided, single submitter. Criteria: ACMG Guidelines, 2015. Collection method: clinical testing. Allele origin: germline.
Comment: This variant is classified as likely benign based on ACMG/AMP sequence variant interpretation guidelines (Richards et al. 2015 PMID: 25741868, with internal and published modifications).

Labcorp Genetics (formerly Invitae), Labcorp
Classification: Likely benign. Last evaluated: 2026-01-15. Review status: criteria provided, single submitter. Criteria: Invitae Variant Classification Sherloc (09022015). Collection method: clinical testing. Allele origin: germline.

Blueprint Genetics
Classification: Likely benign. Last evaluated: 2024-05-28. Review status: criteria provided, single submitter. Criteria: ACMG Guidelines, 2015. Collection method: clinical testing. Allele origin: germline.

ARUP Laboratories, Molecular Genetics and Genomics, ARUP Laboratories
Classification: Likely benign. Last evaluated: 2023-09-28. Review status: criteria provided, single submitter. Criteria: ARUP Molecular Germline Variant Investigation Process 2024. Collection method: clinical testing. Allele origin: germline.

Eurofins Ntd Llc (ga)
Classification: Uncertain significance. Last evaluated: 2017-07-21. Review status: criteria provided, single submitter. Criteria: EGL Classification Definitions 2015. Collection method: clinical testing. Allele origin: germline. Observed: 1 variant allele, 1 heterozygote.